The following is an entry in ClinVar:

ClinVar aggregate classification (germline): Uncertain significance (1 of 4 stars; one submission).

Conditions:
Nephronophthisis. Also called: Juvenile Nephronophthisis. Identifiers: Orphanet 655, MedGen C0687120, MONDO:0019005, HP:0000090.

Allele frequency attached by ClinVar (database versions not stated): gnomAD exomes below 0.00001; TOPMed below 0.00001.
gnomAD v4.1: 6 of 1,613,534 alleles (0.00037%); highest among the groups gnomAD compares: Non-Finnish European, 0.00051%; no homozygotes.

Submission:

Labcorp Genetics (formerly Invitae), Labcorp
Classification: Uncertain significance for Nephronophthisis. Last evaluated: 2022-10-24. Review status: criteria provided, single submitter. Criteria: Invitae Variant Classification Sherloc (09022015). Collection method: clinical testing. Allele origin: germline.
Comment: This variant has not been reported in the literature in individuals affected with NPHP4-related conditions. This variant is not present in population databases (gnomAD no frequency). This sequence change replaces valine, which is neutral and non-polar, with glutamic acid, which is acidic and polar, at codon 816 of the NPHP4 protein (p.Val816Glu). ClinVar contains an entry for this variant (Variation ID: 1038178). In summary, the available evidence is currently insufficient to determine the role of this variant in disease. Therefore, it has been classified as a Variant of Uncertain Significance. Advanced modeling of protein sequence and biophysical properties (such as structural, functional, and spatial information, amino acid conservation, physicochemical variation, residue mobility, and thermodynamic stability) performed at Invitae indicates that this missense variant is expected to disrupt NPHP4 protein function.

NM_015102.5(NPHP4):c.2447T>A (p.Val816Glu)

Gene: NPHP4 (nephrocystin 4; minus strand). Cytogenetic location: 1p36.31.
Variant type: single nucleotide variant.
Coding change: c.2447T>A on transcript NM_015102.5 (MANE Select); coding-DNA position 2447, T replaced by A.
Protein change: p.Val816Glu; replaces valine 816 with glutamic acid.
Molecular consequence: missense variant. On other transcripts: non-coding transcript variant (1).
Genome position (GRCh38, 1-based): chr1:5,887,324, A>T on the plus strand (T>A on the coding strand, the complement: NPHP4 is on the minus strand). VCF-style: chr1-5887324-A-T. GRCh37 (hg19) VCF-style: chr1-5947384-A-T.
Other names: c.908T>A, p.Val303Glu (NM_001291593.2); c.911T>A, p.Val304Glu (NM_001291594.2); short protein forms V304E, V303E, V816E.
Identifiers: ClinVar variation 1038178 (VCV001038178.8), dbSNP rs1217129334, ClinGen allele CA338058595.